The following is an entry in ClinVar:

NM_012254.3(SLC27A5):c.27GCT[7] (p.Leu17dup)

Gene: SLC27A5 (solute carrier family 27 member 5; minus strand). Cytogenetic location: 19q13.43.
Variant type: Microsatellite.
Coding change: c.27GCT[7] on transcript NM_012254.3 (MANE Select); seven copies in a row of the 3-base unit GCT starting at c.27; the reference has six copies in a row; one copy, 3 bases duplicated.
Protein change: p.Leu17dup; duplicates leucine 17.
Molecular consequence: inframe insertion.
Genome position (GRCh38, 1-based): chr19:58,511,912-58,511,914, AGC duplicated on the plus strand (GCT on the coding strand, the reverse complement: SLC27A5 is on the minus strand); duplicating any 3 consecutive bases within chr19:58,511,912-58,511,930 gives the same sequence; the position shown is the placement nearest the transcript's 3' end. VCF-style (leftmost placement, unchanged base first): chr19-58511911-G-GAGC. GRCh37 (hg19) VCF-style: chr19-59023278-G-GAGC.
Other names: c.42_44dupGCT (NM_012254.2); c.27GCT[7], p.Leu17dup (NM_001321196.2).
Identifiers: ClinVar variation 597574 (VCV000597574.10), dbSNP rs760686310, ClinGen allele CA9718359.

ClinVar aggregate classification (germline): Uncertain significance. Review status: criteria provided, multiple submitters, no conflicts (2 of 4 stars). 3 submissions from 3 submitters: Uncertain significance (3). Last evaluated 2025-10-02.

Conditions:
SLC27A5-related disorder. Also called: SLC27A5-related condition.

Submissions (3):

Labcorp Genetics (formerly Invitae), Labcorp
Classification: Uncertain significance. Last evaluated: 2025-10-02. Review status: criteria provided, single submitter. Criteria: Invitae Variant Classification Sherloc (09022015). Collection method: clinical testing. Allele origin: germline.
Comment: This variant, c.42_44dup, results in the insertion of 1 amino acid(s) of the SLC27A5 protein (p.Leu17dup), but otherwise preserves the integrity of the reading frame. This variant is present in population databases (rs771034208, gnomAD 0.009%). This variant has not been reported in the literature in individuals affected with SLC27A5-related conditions. Experimental studies and prediction algorithms are not available or were not evaluated, and the functional significance of this variant is currently unknown. In summary, the available evidence is currently insufficient to determine the role of this variant in disease. Therefore, it has been classified as a Variant of Uncertain Significance.

PreventionGenetics, part of Exact Sciences
Classification: Uncertain significance for SLC27A5-related condition. Last evaluated: 2022-11-11. Review status: criteria provided, single submitter. Criteria: ACMG Guidelines, 2015. Collection method: clinical testing. Allele origin: germline.
Comment: The SLC27A5 c.42_44dupGCT variant is predicted to result in an in-frame duplication (p.Leu17dup). To our knowledge, this variant has not been reported in the literature. This variant is reported in 0.0090% of alleles in individuals of European (Non-Finnish) descent in gnomAD. At this time, the clinical significance of this variant is uncertain due to the absence of conclusive functional and genetic evidence.

Eurofins Ntd Llc (ga)
Classification: Uncertain significance. Last evaluated: 2018-06-12. Review status: criteria provided, single submitter. Criteria: EGL ClinVar v180209 classification definitions. Collection method: clinical testing. Allele origin: germline. Observed: 1 variant allele, 1 heterozygote.